The following is an entry in ClinVar:

NM_001161748.2(LIM2):c.487G>A (p.Val163Met)

Gene: LIM2 (lens intrinsic membrane protein 2; minus strand). Cytogenetic location: 19q13.41.
Variant type: single nucleotide variant.
Coding change: c.487G>A on transcript NM_001161748.2 (MANE Select); coding-DNA position 487, G replaced by A.
Protein change: p.Val163Met; replaces valine 163 with methionine.
Molecular consequence: missense variant.
Genome position (GRCh38, 1-based): chr19:51,380,236, C>T on the plus strand (G>A on the coding strand, the complement: LIM2 is on the minus strand). VCF-style: chr19-51380236-C-T. GRCh37 (hg19) VCF-style: chr19-51883490-C-T.
Other names: c.613G>A, p.Val205Met (NM_030657.4); c.613G>A (NM_030657.3); short protein forms V163M, V205M.
Identifiers: ClinVar variation 2739858 (VCV002739858.4), dbSNP rs574581011, ClinGen allele CA9611443.

ClinVar aggregate classification (germline): Conflicting classifications of pathogenicity. Review status: criteria provided, conflicting classifications (1 of 4 stars). 2 submissions from 2 submitters: Uncertain significance (1); Likely benign (1). Last evaluated 2024-06-16.

Conditions:
Inborn genetic diseases. Identifiers: MedGen C0950123, MeSH D030342.
Cataract 19 multiple types. Also called: CATARACT 19, CORTICAL PULVERULENT; CATARACT 19, CONGENITAL TOTAL. Identifiers: Orphanet 91492, MedGen C3809004, MONDO:0014111, OMIM 615277.

Allele frequency attached by ClinVar (database versions not stated): TOPMed 0.00002; gnomAD 0.00003; gnomAD exomes 0.00003; ExAC 0.00006; 1000 Genomes Project 0.00020; 1000 Genomes Project 30x 0.00031.
gnomAD v4.1: 55 of 1,613,740 alleles (0.0034%); highest among the groups gnomAD compares: South Asian, 0.048%; no homozygotes.

Submissions (2):

Ambry Genetics
Classification: Likely benign for Inborn genetic diseases. Last evaluated: 2024-06-16. Review status: criteria provided, single submitter. Criteria: Ambry Variant Classification Scheme 2023. Collection method: clinical testing. Allele origin: germline.

Labcorp Genetics (formerly Invitae), Labcorp
Classification: Uncertain significance for Cataract 19 multiple types. Last evaluated: 2023-06-25. Review status: criteria provided, single submitter. Criteria: Invitae Variant Classification Sherloc (09022015). Collection method: clinical testing. Allele origin: germline.
Comment: In summary, the available evidence is currently insufficient to determine the role of this variant in disease. Therefore, it has been classified as a Variant of Uncertain Significance. Algorithms developed to predict the effect of missense changes on protein structure and function output the following: SIFT: "Not Available"; PolyPhen-2: "Benign"; Align-GVGD: "Not Available". The methionine amino acid residue is found in multiple mammalian species, which suggests that this missense change does not adversely affect protein function. This variant has not been reported in the literature in individuals affected with LIM2-related conditions. This variant is present in population databases (rs574581011, gnomAD 0.07%). This sequence change replaces valine, which is neutral and non-polar, with methionine, which is neutral and non-polar, at codon 205 of the LIM2 protein (p.Val205Met).